The following is an entry in ClinVar:

NM_001453.3(FOXC1):c.503T>C (p.Leu168Pro)

Gene: FOXC1 (forkhead box C1; plus strand). Cytogenetic location: 6p25.3.
Variant type: single nucleotide variant.
Coding change: c.503T>C on transcript NM_001453.3 (MANE Select); coding-DNA position 503, T replaced by C.
Protein change: p.Leu168Pro; replaces leucine 168 with proline.
Molecular consequence: missense variant.
Genome position (GRCh38, 1-based): chr6:1,610,948, T>C. VCF-style: chr6-1610948-T-C. GRCh37 (hg19) VCF-style: chr6-1611183-T-C.
Other names: short protein forms L168P.
Identifiers: ClinVar variation 2633359 (VCV002633359.1), dbSNP rs2480502828, ClinGen allele CA362558975.

ClinVar aggregate classification (germline): Uncertain significance (1 of 4 stars; one submission).

Conditions:
FOXC1-related disorder. Also called: FOXC1-related condition.

Submission:

PreventionGenetics, part of Exact Sciences
Classification: Uncertain significance for FOXC1-related condition. Last evaluated: 2023-03-15. Review status: criteria provided, single submitter. Criteria: ACMG Guidelines, 2015. Collection method: clinical testing. Allele origin: germline.
Comment: The FOXC1 c.503T>C variant is predicted to result in the amino acid substitution p.Leu168Pro. To our knowledge, this variant has not been reported in the literature or in a large population database, indicating this variant is rare. At this time, the clinical significance of this variant is uncertain due to the absence of conclusive functional and genetic evidence.